The following is an entry in ClinVar:

NM_016616.5(NME8):c.1137C>T (p.Thr379=)

Gene: NME8 (NME/NM23 family member 8; plus strand). Cytogenetic location: 7p14.1.
Variant type: single nucleotide variant.
Coding change: c.1137C>T on transcript NM_016616.5 (MANE Select); coding-DNA position 1137, C replaced by T.
Protein change: p.Thr379=; no amino-acid change (threonine 379 retained).
Molecular consequence: synonymous variant.
Genome position (GRCh38, 1-based): chr7:37,884,445, C>T. VCF-style: chr7-37884445-C-T. GRCh37 (hg19) VCF-style: chr7-37924047-C-T.
Identifiers: ClinVar variation 3689989 (VCV003689989.2).

ClinVar aggregate classification (germline): Uncertain significance (1 of 4 stars; one submission).

Conditions:
Primary ciliary dyskinesia 6. Also called: Primary Ciliary Dyskinesia 6: TXNDC3-Related Primary Ciliary Dyskinesia. Identifiers: Orphanet 244, MedGen C1970506, MONDO:0012571, OMIM 610852.

gnomAD v4.1: 1 of 1,609,578 alleles (0.000062%); highest among the groups gnomAD compares: South Asian, 0.0011%; no homozygotes.

Submission:

Labcorp Genetics (formerly Invitae), Labcorp
Classification: Uncertain significance for Primary ciliary dyskinesia 6. Last evaluated: 2024-11-24. Review status: criteria provided, single submitter. Criteria: Invitae Variant Classification Sherloc (09022015). Collection method: clinical testing. Allele origin: germline.
Comment: This sequence change affects codon 379 of the NME8 mRNA. It is a 'silent' change, meaning that it does not change the encoded amino acid sequence of the NME8 protein. This variant is present in population databases (rs374024098, gnomAD 0.007%). This variant has not been reported in the literature in individuals affected with NME8-related conditions. Algorithms developed to predict the effect of sequence changes on RNA splicing suggest that this variant may disrupt the consensus splice site. In summary, the available evidence is currently insufficient to determine the role of this variant in disease. Therefore, it has been classified as a Variant of Uncertain Significance.